The following is an entry in ClinVar:

NM_005902.4(SMAD3):c.75del (p.Gln26fs)

Gene: SMAD3 (SMAD family member 3; plus strand). Cytogenetic location: 15q22.33.
Variant type: Deletion.
Coding change: c.75del on transcript NM_005902.4 (MANE Select); coding-DNA position 75, one base deleted (G; older notation c.75delG).
Protein change: p.Gln26fs; shifts the reading frame from glutamine 26.
Molecular consequence: frameshift variant.
Genome position (GRCh38, 1-based): chr15:67,066,229, G deleted; the last of 3 consecutive G bases (chr15:67,066,227-67,066,229); deleting any one gives the same sequence. VCF-style (leftmost placement, unchanged base first): chr15-67066226-CG-C. GRCh37 (hg19) VCF-style: chr15-67358564-CG-C.
Other names: c.75del, p.Gln26fs (NM_001407011.1, NM_001407012.1, NM_001407013.1); short protein forms Q26fs.
Identifiers: ClinVar variation 4684974 (VCV004684974.1).

ClinVar aggregate classification (germline): Pathogenic (1 of 4 stars; one submission).

Conditions:
Aneurysm-osteoarthritis syndrome. Also called: SMAD3-Related Loeys-Dietz Syndrome; Loeys-Dietz syndrome, type 1C; LOEYS-DIETZ SYNDROME WITH OSTEOARTHRITIS; ANEURYSMS-OSTEOARTHRITIS SYNDROME. Identifiers: Orphanet 284984, MedGen C3151087, MONDO:0013426, OMIM 613795.

Submission:

Institute of Human Genetics, Heidelberg University
Classification: Pathogenic for Aneurysm-osteoarthritis syndrome. Last evaluated: 2025-11-17. Review status: criteria provided, single submitter. Criteria: ACMG Guidelines, 2015. Collection method: clinical testing. Allele origin: unknown. Affected: yes. Observed: 1 variant allele.
Comment: PM2_supp, PVS1_vs